The following is an entry in ClinVar:

NM_018489.3(ASH1L):c.4300C>A (p.Leu1434Ile)

Gene: ASH1L (ASH1 like histone lysine methyltransferase; minus strand). Cytogenetic location: 1q22.
Variant type: single nucleotide variant.
Coding change: c.4300C>A on transcript NM_018489.3 (MANE Select); coding-DNA position 4300, C replaced by A.
Protein change: p.Leu1434Ile; replaces leucine 1434 with isoleucine.
Molecular consequence: missense variant.
Genome position (GRCh38, 1-based): chr1:155,478,570, G>T on the plus strand (C>A on the coding strand, the complement: ASH1L is on the minus strand). VCF-style: chr1-155478570-G-T. GRCh37 (hg19) VCF-style: chr1-155448361-G-T.
Other names: c.4300C>A, p.Leu1434Ile (NM_001366177.2); short protein forms L1434I.
Identifiers: ClinVar variation 3252349 (VCV003252349.1), dbSNP rs2527151839.

ClinVar aggregate classification (germline): Uncertain significance (1 of 4 stars; one submission).

Submission:

GeneDx
Classification: Uncertain significance. Last evaluated: 2023-12-10. Review status: criteria provided, single submitter. Criteria: GeneDx Variant Classification Process June 2021. Collection method: clinical testing. Allele origin: germline. Affected: yes.
Comment: Not observed at significant frequency in large population cohorts (gnomAD); In silico analysis supports that this missense variant does not alter protein structure/function; Has not been previously published as pathogenic or benign to our knowledge